The following is an entry in ClinVar:

ClinVar aggregate classification (germline): Uncertain significance. Review status: criteria provided, multiple submitters, no conflicts (2 of 4 stars). 3 submissions from 3 submitters: Uncertain significance (2). 1 of the submissions does not count toward it. Last evaluated 2021-10-05.

Conditions:
Hereditary hemochromatosis (HFE). Identifiers: MedGen C0392514, MONDO:0006507. Disease mechanism: loss of function.
Hemochromatosis type 3 (HFE3). Also called: Hereditary hemochromatosis type 3; HEMOCHROMATOSIS DUE TO DEFECT IN TRANSFERRIN RECEPTOR 2; TFR2-Related Hemochromatosis. Identifiers: Orphanet 225123, MedGen C1858664, MONDO:0011417, OMIM 604250.

Allele frequency attached by ClinVar (database versions not stated): gnomAD exomes 0.00001; TOPMed 0.00002; gnomAD 0.00004; ESP Exome Variant Server 0.00009; ExAC 0.00010.
gnomAD v4.1: 28 of 1,549,570 alleles (0.0018%); highest among the groups gnomAD compares: Non-Finnish European, 0.0023%; no homozygotes.

Submissions (3):

Fulgent Genetics
Classification: Uncertain significance for Hemochromatosis type 3. Last evaluated: 2021-10-05. Review status: criteria provided, single submitter. Criteria: ACMG Guidelines, 2015. Collection method: clinical testing. Allele origin: unknown.

Labcorp Genetics (formerly Invitae), Labcorp
Classification: Uncertain significance for Hereditary hemochromatosis. Last evaluated: 2021-08-26. Review status: criteria provided, single submitter. Criteria: Invitae Variant Classification Sherloc (09022015). Collection method: clinical testing. Allele origin: germline.
Comment: This sequence change replaces glutamic acid with lysine at codon 691 of the TFR2 protein (p.Glu691Lys). The glutamic acid residue is highly conserved and there is a small physicochemical difference between glutamic acid and lysine. This variant is present in population databases (rs138310236, ExAC 0.02%). This variant has not been reported in the literature in individuals affected with TFR2-related conditions. Algorithms developed to predict the effect of missense changes on protein structure and function are either unavailable or do not agree on the potential impact of this missense change (SIFT: "Deleterious"; PolyPhen-2: "Possibly Damaging"; Align-GVGD: "Class C0"). In summary, the available evidence is currently insufficient to determine the role of this variant in disease. Therefore, it has been classified as a Variant of Uncertain Significance.

Natera, Inc.
Classification: Uncertain significance for Hereditary hemochromatosis type 3. Last evaluated: 2021-03-02. Review status: no assertion criteria provided. Collection method: clinical testing. Allele origin: germline. Not counted in ClinVar's aggregate classification.

NM_003227.4(TFR2):c.2071G>A (p.Glu691Lys)

Genes: TFR2 (transferrin receptor 2; minus strand), LOC113687175 (Sharpr-MPRA regulatory region 4647; plus strand). Cytogenetic location: 7q22.1.
Variant type: single nucleotide variant.
Coding change: c.2071G>A on transcript NM_003227.4 (MANE Select); coding-DNA position 2071, G replaced by A.
Protein change: p.Glu691Lys; replaces glutamic acid 691 with lysine.
Molecular consequence: missense variant.
Genome position (GRCh38, 1-based): chr7:100,626,828, C>T on the plus strand (G>A on the coding strand, the complement: TFR2 is on the minus strand). VCF-style: chr7-100626828-C-T. GRCh37 (hg19) VCF-style: chr7-100224451-C-T.
Other names: c.1558G>A, p.Glu520Lys (NM_001206855.3); short protein forms E520K, E691K.
Identifiers: ClinVar variation 1058194 (VCV001058194.4), dbSNP rs138310236, ClinGen allele CA4386222.
Genomic context (GRCh38, chr7:100,626,828, plus strand): 5'-TTATGCGCACGTTGTACATGCGTGTCAGTCGCTCGTCTCTCTCCTCCGAGCTGTAGATCT[C>T]CTGCCGCAGCTTTTCCGCCGCCCGGATGTAGTCCCCCCGCGCCGAGTACACCCACTGCAG-3'
Protein context (NP_003218.2, residues 681-701): YIRAAEKLRQ[Glu691Lys]IYSSEERDER